The following is an entry in ClinVar:

NM_001370259.2(MEN1):c.1147C>T (p.Leu383=)

Gene: MEN1 (menin 1; minus strand). Cytogenetic location: 11q13.1.
Variant type: single nucleotide variant.
Coding change: c.1147C>T on transcript NM_001370259.2 (MANE Select); coding-DNA position 1147, C replaced by T.
Protein change: p.Leu383=; no amino-acid change (leucine 383 retained).
Molecular consequence: synonymous variant.
Genome position (GRCh38, 1-based): chr11:64,805,673, G>A on the plus strand (C>T on the coding strand, the complement: MEN1 is on the minus strand). VCF-style: chr11-64805673-G-A. GRCh37 (hg19) VCF-style: chr11-64573145-G-A.
Other names: c.1162C>T, p.Leu388= (NM_000244.4, NM_130800.3, NM_130801.3 and 3 more transcripts); c.1273C>T, p.Leu425= (NM_001370251.2); c.1147C>T, p.Leu383= (NM_001370260.2, NM_001370261.2, NM_130799.3); c.1042C>T, p.Leu348= (NM_001370262.2, NM_001370263.2).
Identifiers: ClinVar variation 1153885 (VCV001153885.12), dbSNP rs2136109092, ClinGen allele CA474983097.

ClinVar aggregate classification (germline): Benign/Likely benign. Review status: criteria provided, multiple submitters, no conflicts (2 of 4 stars). 3 submissions from 3 submitters: Benign (1); Likely benign (2). Last evaluated 2024-11-04.

Conditions:
Hereditary cancer-predisposing syndrome. Also called: Hereditary Cancer Syndrome; Hereditary neoplastic syndrome; Neoplastic Syndromes, Hereditary; Tumor predisposition. Identifiers: Orphanet 140162, MedGen C0027672, MeSH D009386, MONDO:0015356.
Multiple endocrine neoplasia, type 1 (MEN1). Also called: MEA I; MEN I; WERMER SYNDROME; Endocrine adenomatosis multiple; MEN 1. Identifiers: Orphanet 652, MedGen C0025267, MeSH D018761, MONDO:0007540, OMIM 131100.

Allele frequency attached by ClinVar (database versions not stated): gnomAD exomes below 0.00001.

Submissions (3):

Myriad Genetics, Inc.
Classification: Benign for Multiple endocrine neoplasia, type 1. Last evaluated: 2024-11-04. Review status: criteria provided, single submitter. Criteria: Myriad Autosomal Dominant, Autosomal Recessive and X-Linked Classification Criteria (2023). Collection method: clinical testing. Allele origin: unknown.
Comment: This variant is considered benign. This variant is a silent/synonymous amino acid change and it is not expected to impact splicing.

Labcorp Genetics (formerly Invitae), Labcorp
Classification: Likely benign for Multiple endocrine neoplasia, type 1. Last evaluated: 2024-06-11. Review status: criteria provided, single submitter. Criteria: Invitae Variant Classification Sherloc (09022015). Collection method: clinical testing. Allele origin: germline.

Ambry Genetics
Classification: Likely benign for Hereditary cancer-predisposing syndrome. Last evaluated: 2022-04-07. Review status: criteria provided, single submitter. Criteria: Ambry Variant Classification Scheme 2023. Collection method: clinical testing. Allele origin: germline.